The following is an entry in ClinVar:

NM_015909.4(NBAS):c.5047T>C (p.Tyr1683His)

Gene: NBAS (NBAS subunit of NRZ tethering complex; minus strand). Cytogenetic location: 2p24.3.
Variant type: single nucleotide variant.
Coding change: c.5047T>C on transcript NM_015909.4 (MANE Select); coding-DNA position 5047, T replaced by C.
Protein change: p.Tyr1683His; replaces tyrosine 1683 with histidine.
Molecular consequence: missense variant. On other transcripts: non-coding transcript variant (1).
Genome position (GRCh38, 1-based): chr2:15,287,164, A>G on the plus strand (T>C on the coding strand, the complement: NBAS is on the minus strand). VCF-style: chr2-15287164-A-G. GRCh37 (hg19) VCF-style: chr2-15427288-A-G.
Other names: short protein forms Y1683H.
Identifiers: ClinVar variation 2099022 (VCV002099022.4), dbSNP rs2528175379, ClinGen allele CA345887012.

ClinVar aggregate classification (germline): Uncertain significance (1 of 4 stars; one submission).

Submission:

Labcorp Genetics (formerly Invitae), Labcorp
Classification: Uncertain significance. Last evaluated: 2024-05-06. Review status: criteria provided, single submitter. Criteria: Invitae Variant Classification Sherloc (09022015). Collection method: clinical testing. Allele origin: germline.
Comment: This sequence change replaces tyrosine, which is neutral and polar, with histidine, which is basic and polar, at codon 1683 of the NBAS protein (p.Tyr1683His). This variant is not present in population databases (gnomAD no frequency). This variant has not been reported in the literature in individuals affected with NBAS-related conditions. ClinVar contains an entry for this variant (Variation ID: 2099022). Advanced modeling of protein sequence and biophysical properties (such as structural, functional, and spatial information, amino acid conservation, physicochemical variation, residue mobility, and thermodynamic stability) performed at Invitae indicates that this missense variant is not expected to disrupt NBAS protein function with a negative predictive value of 80%. In summary, the available evidence is currently insufficient to determine the role of this variant in disease. Therefore, it has been classified as a Variant of Uncertain Significance.